The following is an entry in ClinVar:

ClinVar aggregate classification (germline): Uncertain significance (1 of 4 stars; one submission).

Conditions:
Pontocerebellar hypoplasia type 7. Identifiers: Orphanet 284339, MedGen C3554226, MONDO:0013993, OMIM 614969.

gnomAD v4.1: 6 of 1,614,010 alleles (0.00037%); highest among the groups gnomAD compares: Admixed American, 0.0017%; no homozygotes.

Submission:

Laboratorio de Genetica e Diagnostico Molecular, Hospital Israelita Albert Einstein
Classification: Uncertain significance for Pontocerebellar hypoplasia type 7. Last evaluated: 2024-12-22. Review status: criteria provided, single submitter. Criteria: ACMG Guidelines, 2015. Collection method: clinical testing. Allele origin: germline. Affected: yes.
Comment: ACMG classification criteria: PM2 supporting

NM_025077.4(TOE1):c.1335T>A (p.Phe445Leu)

Gene: TOE1 (target of EGR1, exonuclease; plus strand). Cytogenetic location: 1p34.1.
Variant type: single nucleotide variant.
Coding change: c.1335T>A on transcript NM_025077.4 (MANE Select); coding-DNA position 1335, T replaced by A.
Protein change: p.Phe445Leu; replaces phenylalanine 445 with leucine.
Molecular consequence: missense variant.
Genome position (GRCh38, 1-based): chr1:45,343,504, T>A. VCF-style: chr1-45343504-T-A. GRCh37 (hg19) VCF-style: chr1-45809176-T-A.
Other names: short protein forms F445L.
Identifiers: ClinVar variation 4076270 (VCV004076270.1).